The following is an entry in ClinVar:

ClinVar aggregate classification (germline): Pathogenic (1 of 4 stars; one submission).

Conditions:
Peroxisome biogenesis disorder 12A (Zellweger). Also called: Peroxisome biogenesis disorder 12A. Identifiers: Orphanet 912, MedGen C3554002, MONDO:0013951, OMIM 614886.

Submission:

Labcorp Genetics (formerly Invitae), Labcorp
Classification: Pathogenic for Peroxisome biogenesis disorder 12A (Zellweger). Last evaluated: 2024-10-12. Review status: criteria provided, single submitter. Criteria: Invitae Variant Classification Sherloc (09022015). Collection method: clinical testing. Allele origin: germline.
Comment: This sequence change creates a premature translational stop signal (p.Glu88Argfs*4) in the PEX19 gene. It is expected to result in an absent or disrupted protein product. Loss-of-function variants in PEX19 are known to be pathogenic (PMID: 10051604, 20683989, 21031596). This variant is present in population databases (rs754854051, gnomAD 0.007%). This variant has not been reported in the literature in individuals affected with PEX19-related conditions. For these reasons, this variant has been classified as Pathogenic.

Literature cited by the submitters: PubMed 10051604; PubMed 20683989; PubMed 21031596.

NM_002857.4(PEX19):c.262del (p.Glu88fs)

Gene: PEX19 (peroxisomal biogenesis factor 19; minus strand). Cytogenetic location: 1q23.2.
Variant type: Deletion.
Coding change: c.262del on transcript NM_002857.4 (MANE Select); coding-DNA position 262, one base deleted (G; older notation c.262delG).
Protein change: p.Glu88fs; shifts the reading frame from glutamic acid 88.
Molecular consequence: frameshift variant. On other transcripts: non-coding transcript variant (2).
Genome position (GRCh38, 1-based): chr1:160,283,028, C deleted on the plus strand (G on the coding strand, the reverse complement: PEX19 is on the minus strand). VCF-style (leftmost placement, unchanged base first): chr1-160283027-TC-T. GRCh37 (hg19) VCF-style: chr1-160252817-TC-T.
Other names: c.262del, p.Glu88fs (NM_001193644.1); short protein forms E88fs.
Identifiers: ClinVar variation 3680741 (VCV003680741.3).